The following is an entry in ClinVar:

ClinVar aggregate classification (germline): Likely benign. Review status: criteria provided, single submitter (1 of 4 stars). 2 submissions from 2 submitters: Likely benign (1). 1 of the submissions does not count toward it. Last evaluated 2025-12-20.

Conditions:
FIG4-related disorder. Also called: FIG4-related disorders; FIG4-related condition.
Charcot-Marie-Tooth disease type 4. Also called: Charcot-Marie-Tooth, Type 4; Charcot-Marie-Tooth disease, type IV. Identifiers: Orphanet 64749, MedGen C4082197, MONDO:0018995.

Allele frequency attached by ClinVar (database versions not stated): gnomAD exomes below 0.00001 and 0.00001; ExAC 0.00001; gnomAD 0.00001 and 0.00002; TOPMed 0.00003.
gnomAD v4.1: 10 of 1,532,114 alleles (0.00065%); highest among the groups gnomAD compares: South Asian, 0.0011%; no homozygotes.

Submissions (2):

Labcorp Genetics (formerly Invitae), Labcorp
Classification: Likely benign for Charcot-Marie-Tooth disease type 4. Last evaluated: 2025-12-20. Review status: criteria provided, single submitter. Criteria: Invitae Variant Classification Sherloc (09022015). Collection method: clinical testing. Allele origin: germline.

PreventionGenetics, part of Exact Sciences
Classification: Likely benign for FIG4-related condition. Last evaluated: 2022-09-20. Review status: no assertion criteria provided. Collection method: clinical testing. Allele origin: germline. Not counted in ClinVar's aggregate classification.
Comment: This variant is classified as likely benign based on ACMG/AMP sequence variant interpretation guidelines (Richards et al. 2015 PMID: 25741868, with internal and published modifications).

NM_014845.6(FIG4):c.497+9G>A

Gene: FIG4 (FIG4 phosphoinositide 5-phosphatase; plus strand). Cytogenetic location: 6q21.
Variant type: single nucleotide variant.
Coding change: c.497+9G>A on transcript NM_014845.6 (MANE Select); 9 bases into the intron after coding-DNA position 497, G replaced by A.
Molecular consequence: intron variant.
Genome position (GRCh38, 1-based): chr6:109,732,696, G>A. VCF-style: chr6-109732696-G-A. GRCh37 (hg19) VCF-style: chr6-110053899-G-A.
Other names: c.497+9G>A (NM_014845.5).
Identifiers: ClinVar variation 1537236 (VCV001537236.10), dbSNP rs759409330, ClinGen allele CA3955807.
Genomic context (GRCh38, chr6:109,732,696, plus strand): 5'-GGTATCTACGAATATTTCAAAATGTGGACCTATCTAGCAATTTTTACTTTAGGTAAGTGT[G>A]AGGTTAGTTTTGCTCCTATCAATCACATAAACTTTTATATTATTTTCCAGCGGGTAAAAG-3'